The following is an entry in ClinVar:

NM_001142966.3(GREB1L):c.2938G>A (p.Asp980Asn)

Gene: GREB1L (GREB1 like retinoic acid receptor coactivator; plus strand). Cytogenetic location: 18q11.1.
Variant type: single nucleotide variant.
Coding change: c.2938G>A on transcript NM_001142966.3 (MANE Select); coding-DNA position 2938, G replaced by A.
Protein change: p.Asp980Asn; replaces aspartic acid 980 with asparagine.
Molecular consequence: missense variant.
Genome position (GRCh38, 1-based): chr18:21,490,259, G>A. VCF-style: chr18-21490259-G-A. GRCh37 (hg19) VCF-style: chr18-19070220-G-A.
Other names: c.3067G>A, p.Asp1023Asn (NM_001410867.1); c.2611G>A, p.Asp871Asn (NM_001410868.1); c.2938G>A (NM_001142966.1); short protein forms D1023N, D871N, D980N.
Identifiers: ClinVar variation 2432269 (VCV002432269.6), dbSNP rs774798820, ClinGen allele CA8906534.

ClinVar aggregate classification (germline): Uncertain significance. Review status: criteria provided, multiple submitters, no conflicts (2 of 4 stars). 3 submissions from 3 submitters: Uncertain significance (3). Last evaluated 2026-09-14.

Conditions:
GREB1L-related disorder. Also called: GREB1L-related condition.

Allele frequency attached by ClinVar (database versions not stated): ExAC 0.00005; TOPMed 0.00005; gnomAD 0.00006.
gnomAD v4.1: 183 of 1,551,584 alleles (0.012%); highest among the groups gnomAD compares: Non-Finnish European, 0.014%; no homozygotes.

Submissions (3):

PreventionGenetics, part of Exact Sciences
Classification: Uncertain significance for GREB1L-related condition. Last evaluated: 2026-09-14. Review status: criteria provided, single submitter. Criteria: ACMG Guidelines, 2015. Collection method: clinical testing. Allele origin: germline.
Comment: The GREB1L c.2938G>A variant is predicted to result in the amino acid substitution p.Asp980Asn. To our knowledge, this variant has not been reported in the literature. This variant is reported in 0.0093% of alleles in individuals of European (Non-Finnish) descent in gnomAD. At this time, the clinical significance of this variant is uncertain due to the absence of conclusive functional and genetic evidence.

Labcorp Genetics (formerly Invitae), Labcorp
Classification: Uncertain significance. Last evaluated: 2024-05-04. Review status: criteria provided, single submitter. Criteria: Invitae Variant Classification Sherloc (09022015). Collection method: clinical testing. Allele origin: germline.
Comment: This sequence change replaces aspartic acid, which is acidic and polar, with asparagine, which is neutral and polar, at codon 980 of the GREB1L protein (p.Asp980Asn). This variant is present in population databases (rs774798820, gnomAD 0.008%). This variant has not been reported in the literature in individuals affected with GREB1L-related conditions. ClinVar contains an entry for this variant (Variation ID: 2432269). Algorithms developed to predict the effect of missense changes on protein structure and function output the following: SIFT: "Not Available"; PolyPhen-2: "Possibly Damaging"; Align-GVGD: "Not Available". The asparagine amino acid residue is found in multiple mammalian species, which suggests that this missense change does not adversely affect protein function. In summary, the available evidence is currently insufficient to determine the role of this variant in disease. Therefore, it has been classified as a Variant of Uncertain Significance.

Revvity Omics, Revvity
Classification: Uncertain significance. Last evaluated: 2022-03-15. Review status: criteria provided, single submitter. Criteria: ACMG Guidelines, 2015. Collection method: clinical testing. Allele origin: germline.